The following is an entry in ClinVar:

NM_012092.4(ICOS):c.291C>A (p.Tyr97Ter)

Gene: ICOS (inducible T cell costimulator; plus strand). Cytogenetic location: 2q33.2.
Variant type: single nucleotide variant.
Coding change: c.291C>A on transcript NM_012092.4 (MANE Select); coding-DNA position 291, C replaced by A.
Protein change: p.Tyr97Ter; replaces tyrosine 97 with a stop codon.
Molecular consequence: nonsense.
Genome position (GRCh38, 1-based): chr2:203,955,868, C>A. VCF-style: chr2-203955868-C-A. GRCh37 (hg19) VCF-style: chr2-204820591-C-A.
Other names: short protein forms Y97*.
Identifiers: ClinVar variation 2993769 (VCV002993769.3), dbSNP rs778146668, ClinGen allele CA2067246.

ClinVar aggregate classification (germline): Pathogenic (1 of 4 stars; one submission).

Conditions:
Immunodeficiency, common variable, 1. Also called: ANTIBODY DEFICIENCY DUE TO ICOS DEFECT. Identifiers: Orphanet 1572, Orphanet 695183, MedGen C3149378, MONDO:0011864, OMIM 607594.

Allele frequency attached by ClinVar (database versions not stated): ExAC 0.00001; gnomAD exomes 0.00001.
gnomAD v4.1: 14 of 1,613,654 alleles (0.00087%); highest among the groups gnomAD compares: Non-Finnish European, 0.0011%; no homozygotes.

Submission:

Labcorp Genetics (formerly Invitae), Labcorp
Classification: Pathogenic for Immunodeficiency, common variable, 1. Last evaluated: 2025-12-15. Review status: criteria provided, single submitter. Criteria: Invitae Variant Classification Sherloc (09022015). Collection method: clinical testing. Allele origin: germline.
Comment: This sequence change creates a premature translational stop signal (p.Tyr97*) in the ICOS gene. It is expected to result in an absent or disrupted protein product. Loss-of-function variants in ICOS are known to be pathogenic (PMID: 11343122, 12577056, 19380800). This variant is present in population databases (rs778146668, gnomAD 0.0009%). This variant has not been reported in the literature in individuals affected with ICOS-related conditions. ClinVar contains an entry for this variant (Variation ID: 2993769). For these reasons, this variant has been classified as Pathogenic.

Literature cited by the submitters: PubMed 11343122; PubMed 12577056; PubMed 19380800.